The following is an entry in ClinVar:

ClinVar aggregate classification (germline): Uncertain significance (1 of 4 stars; one submission).

Allele frequency attached by ClinVar (database versions not stated): gnomAD 0.00001; gnomAD exomes 0.00001.
gnomAD v4.1: 20 of 1,613,876 alleles (0.0012%); highest among the groups gnomAD compares: Non-Finnish European, 0.0016%; no homozygotes.

Submission:

Labcorp Genetics (formerly Invitae), Labcorp
Classification: Uncertain significance. Last evaluated: 2025-10-21. Review status: criteria provided, single submitter. Criteria: Invitae Variant Classification Sherloc (09022015). Collection method: clinical testing. Allele origin: germline.
Comment: This sequence change replaces proline, which is neutral and non-polar, with serine, which is neutral and polar, at codon 567 of the RP1 protein (p.Pro567Ser). This variant is present in population databases (no rsID available, gnomAD 0.002%). This variant has not been reported in the literature in individuals affected with RP1-related conditions. ClinVar contains an entry for this variant (Variation ID: 1020559). An algorithm developed to predict the effect of missense changes on protein structure and function outputs the following: PolyPhen-2: "Benign". The serine amino acid residue is found in multiple mammalian species, which suggests that this missense change does not adversely affect protein function. In summary, the available evidence is currently insufficient to determine the role of this variant in disease. Therefore, it has been classified as a Variant of Uncertain Significance.

NM_006269.2(RP1):c.1699C>T (p.Pro567Ser)

Gene: RP1 (RP1 axonemal microtubule associated; plus strand). Cytogenetic location: 8q12.1.
Variant type: single nucleotide variant.
Coding change: c.1699C>T on transcript NM_006269.2 (MANE Select); coding-DNA position 1699, C replaced by T.
Protein change: p.Pro567Ser; replaces proline 567 with serine.
Molecular consequence: missense variant. On other transcripts: intron variant (1).
Genome position (GRCh38, 1-based): chr8:54,625,581, C>T. VCF-style: chr8-54625581-C-T. GRCh37 (hg19) VCF-style: chr8-55538141-C-T.
Other names: c.787+3293C>T (NM_001375654.1); short protein forms P567S.
Identifiers: ClinVar variation 1020559 (VCV001020559.10), dbSNP rs1276805786, ClinGen allele CA370991297.